The following is an entry in ClinVar:

ClinVar aggregate classification (germline): Uncertain significance (1 of 4 stars; one submission).

Allele frequency attached by ClinVar (database versions not stated): gnomAD exomes below 0.00001; gnomAD 0.00001; TOPMed 0.00001.
gnomAD v4.1: 4 of 1,614,026 alleles (0.00025%); highest among the groups gnomAD compares: Non-Finnish European, 0.00034%; no homozygotes.

Submission:

Mayo Clinic Laboratories, Mayo Clinic
Classification: Uncertain significance. Last evaluated: 2023-05-12. Review status: criteria provided, single submitter. Criteria: ACMG Guidelines, 2015. Collection method: clinical testing. Allele origin: germline. Observed: 1 variant allele.
Comment: BP4, PM2

NM_025137.4(SPG11):c.6309G>C (p.Lys2103Asn)

Gene: SPG11 (SPG11 vesicle trafficking associated, spatacsin; minus strand). Cytogenetic location: 15q21.1.
Variant type: single nucleotide variant.
Coding change: c.6309G>C on transcript NM_025137.4 (MANE Select); coding-DNA position 6309, G replaced by C.
Protein change: p.Lys2103Asn; replaces lysine 2103 with asparagine.
Molecular consequence: missense variant.
Genome position (GRCh38, 1-based): chr15:44,572,717, C>G on the plus strand (G>C on the coding strand, the complement: SPG11 is on the minus strand). VCF-style: chr15-44572717-C-G. GRCh37 (hg19) VCF-style: chr15-44864915-C-G.
Other names: p.Lys2103Asn; c.5970G>C, p.Lys1990Asn (NM_001160227.2); c.6165G>C, p.Lys2055Asn (NM_001411132.1); short protein forms K1990N, K2055N, K2103N.
Identifiers: ClinVar variation 2683304 (VCV002683304.1), dbSNP rs1192111195, ClinGen allele CA392217160.
Genomic context (GRCh38, chr15:44,572,717, plus strand): 5'-ATGTAAGAAAAAGGTCAATAACTTACTGCAAGACAGTTCCCCATGGGGAACGGAGGAAAT[C>G]TTATCCAACAACTTCATGCCTACCAATGTGCGGTCTTGACACAGAGTGGTCAGCTGAAGA-3'
Protein context (NP_079413.3, residues 2093-2113): RTLVGMKLLD[Lys2103Asn]ISSVPHGELS